The following is an entry in ClinVar:

ClinVar aggregate classification (germline): Uncertain significance (1 of 4 stars; one submission).

Allele frequency attached by ClinVar (database versions not stated): gnomAD 0.00001; gnomAD exomes 0.00001.
gnomAD v4.1: 17 of 1,601,898 alleles (0.0011%); highest among the groups gnomAD compares: African/African-American, 0.004%; no homozygotes.

Submission:

Labcorp Genetics (formerly Invitae), Labcorp
Classification: Uncertain significance. Last evaluated: 2021-11-15. Review status: criteria provided, single submitter. Criteria: Invitae Variant Classification Sherloc (09022015). Collection method: clinical testing. Allele origin: germline.
Comment: In summary, the available evidence is currently insufficient to determine the role of this variant in disease. Therefore, it has been classified as a Variant of Uncertain Significance. Algorithms developed to predict the effect of missense changes on protein structure and function output the following: SIFT: "Not Available"; PolyPhen-2: "Benign"; Align-GVGD: "Not Available". The valine amino acid residue is found in multiple mammalian species, which suggests that this missense change does not adversely affect protein function. This variant has not been reported in the literature in individuals affected with MYO18B-related conditions. The frequency data for this variant in the population databases is considered unreliable, as metrics indicate poor data quality at this position in the gnomAD database. This sequence change replaces alanine, which is neutral and non-polar, with valine, which is neutral and non-polar, at codon 1310 of the MYO18B protein (p.Ala1310Val).

NM_032608.7(MYO18B):c.3929C>T (p.Ala1310Val)

Gene: MYO18B (myosin XVIIIB; plus strand). Cytogenetic location: 22q12.1.
Variant type: single nucleotide variant.
Coding change: c.3929C>T on transcript NM_032608.7 (MANE Select); coding-DNA position 3929, C replaced by T.
Protein change: p.Ala1310Val; replaces alanine 1310 with valine.
Molecular consequence: missense variant.
Genome position (GRCh38, 1-based): chr22:25,868,363, C>T. VCF-style: chr22-25868363-C-T. GRCh37 (hg19) VCF-style: chr22-26264330-C-T.
Other names: c.3932C>T, p.Ala1311Val (NM_001318245.2); short protein forms A1310V, A1311V.
Identifiers: ClinVar variation 1465028 (VCV001465028.5), dbSNP rs369078033, ClinGen allele CA322787666.